The following is an entry in ClinVar:

ClinVar aggregate classification (germline): Likely pathogenic. Review status: criteria provided, multiple submitters, no conflicts (2 of 4 stars). 2 submissions from 2 submitters: Likely pathogenic (2). Last evaluated 2025-08-12.

Conditions:
Wilson disease (WND). Also called: Wilson's disease. Identifiers: Orphanet 905, MedGen C0019202, MONDO:0010200, OMIM 277900. Disease mechanism: loss of function.

Submissions (2):

Natera, Inc.
Classification: Likely pathogenic for Wilson disease. Last evaluated: 2025-08-12. Review status: criteria provided, single submitter. Criteria: Natera Variant Classification Schema (03/2026). Collection method: clinical testing. Allele origin: germline.
Comment: The c.3188C>G variant in ATP7B is a missense variant predicted to cause substitution of alanine to glycine at amino acid 1063. This variant is rare in the general population with a frequency below the threshold expected for the associated phenotype(s). This variant has been observed in one or more individuals affected with the associated recessive disease, as either homozygous or compound heterozygous with a second variant (PMID: 30232804). A different variant at the same position has been determined to be Pathogenic or Likely Pathogenic. Computational prediction algorithms indicate this variant is likely to affect gene or protein function. Given the available evidence, this variant is classified as Likely Pathogenic.

Dr. Moinak Lab, Sanjay Gandhi Postgraduate Institute of Medical Sciences
Classification: Likely pathogenic for Wilson disease. Last evaluated: 2024-10-25. Review status: criteria provided, single submitter. Criteria: ACMG Guidelines, 2015. Collection method: clinical testing. Allele origin: germline. Inheritance: Autosomal recessive inheritance. Affected: yes. Observed: 1 compound heterozygote.
Comment: ATP7B: c.3188C>G is a novel variant involving a single nucleotide change in exon 14, where the genomic DNA changes from C to G. This results in a non-synonymous substitution of the amino acid Alanine to Glycine at codon 1063

Literature cited by the submitters: PubMed 30232804 (cited by Natera, Inc.); PubMed 36096368 (cited by Dr. Moinak Lab, Sanjay Gandhi Postgraduate Institute of Medical Sciences); PubMed 23518715 (cited by Dr. Moinak Lab, Sanjay Gandhi Postgraduate Institute of Medical Sciences).

NM_000053.4(ATP7B):c.3188C>G (p.Ala1063Gly)

Gene: ATP7B (ATPase copper transporting beta; minus strand). Cytogenetic location: 13q14.3.
Variant type: single nucleotide variant.
Coding change: c.3188C>G on transcript NM_000053.4 (MANE Select); coding-DNA position 3188, C replaced by G.
Protein change: p.Ala1063Gly; replaces alanine 1063 with glycine.
Molecular consequence: missense variant. On other transcripts: intron variant (1).
Genome position (GRCh38, 1-based): chr13:51,944,164, G>C on the plus strand (C>G on the coding strand, the complement: ATP7B is on the minus strand). VCF-style: chr13-51944164-G-C. GRCh37 (hg19) VCF-style: chr13-52518300-G-C.
Other names: c.3188C>G (NM_000053.3); c.2567C>G, p.Ala856Gly (NM_001005918.3); c.2855C>G, p.Ala952Gly (NM_001243182.2); c.2954C>G, p.Ala985Gly (NM_001330578.2, NM_001406527.1, NM_001406528.1 and 1 more transcripts); c.2936C>G, p.Ala979Gly (NM_001330579.2, NM_001406531.1, NM_001406532.1); c.3188C>G, p.Ala1063Gly (NM_001406511.1, NM_001406512.1, NM_001406526.1); c.3182C>G, p.Ala1061Gly (NM_001406513.1); c.3155C>G, p.Ala1052Gly (NM_001406514.1); and 20 more; short protein forms A1004G, A1015G, A1018G, A1031G, A1045G, A1052G, A1061G, A1063G.
Identifiers: ClinVar variation 3893202 (VCV003893202.2).